The following is an entry in ClinVar:

NM_000815.5(GABRD):c.136G>A (p.Gly46Arg)

Gene: GABRD (gamma-aminobutyric acid type A receptor subunit delta; plus strand). Cytogenetic location: 1p36.33.
Variant type: single nucleotide variant.
Coding change: c.136G>A on transcript NM_000815.5 (MANE Select); coding-DNA position 136, G replaced by A.
Protein change: p.Gly46Arg; replaces glycine 46 with arginine.
Molecular consequence: missense variant.
Genome position (GRCh38, 1-based): chr1:2,025,009, G>A. VCF-style: chr1-2025009-G-A. GRCh37 (hg19) VCF-style: chr1-1956448-G-A.
Other names: short protein forms G46R.
Identifiers: ClinVar variation 837310 (VCV000837310.10), dbSNP rs1658879135, ClinGen allele CA337955600.
Genomic context (GRCh38, chr1:2,025,009, plus strand): 5'-AATGACATCGGCGACTACGTGGGCTCCAACCTGGAGATCTCCTGGCTCCCCAACCTGGAC[G>A]GGCTGATAGCCGGCTACGCCCGCAACTTCCGGCCTGGCATCGGAGGTGAGGGGCGGTCCA-3'
Protein context (NP_000806.2, residues 36-56): LEISWLPNLD[Gly46Arg]LIAGYARNFR

ClinVar aggregate classification (germline): Uncertain significance. Review status: criteria provided, multiple submitters, no conflicts (2 of 4 stars). 2 submissions from 2 submitters: Uncertain significance (2). Last evaluated 2024-03-07.

Conditions:
Inborn genetic diseases. Identifiers: MedGen C0950123, MeSH D030342.
Idiopathic generalized epilepsy. Also called: Generalised epilepsy; EIG. Identifiers: MedGen C0270850, MONDO:0005579, OMIM 600669.

Allele frequency attached by ClinVar (database versions not stated): gnomAD 0.00001; TOPMed 0.00002.
gnomAD v4.1: 7 of 1,612,728 alleles (0.00043%); highest among the groups gnomAD compares: African/African-American, 0.0027%; no homozygotes.

Submissions (2):

Ambry Genetics
Classification: Uncertain significance for Inborn genetic diseases. Last evaluated: 2024-03-07. Review status: criteria provided, single submitter. Criteria: Ambry Variant Classification Scheme 2023. Collection method: clinical testing. Allele origin: germline.

Labcorp Genetics (formerly Invitae), Labcorp
Classification: Uncertain significance for Idiopathic generalized epilepsy. Last evaluated: 2019-02-24. Review status: criteria provided, single submitter. Criteria: Invitae Variant Classification Sherloc (09022015). Collection method: clinical testing. Allele origin: germline.
Comment: In summary, the available evidence is currently insufficient to determine the role of this variant in disease. Therefore, it has been classified as a Variant of Uncertain Significance. Algorithms developed to predict the effect of sequence changes on RNA splicing suggest that this variant may create or strengthen a splice site, but this prediction has not been confirmed by published transcriptional studies. Algorithms developed to predict the effect of missense changes on protein structure and function are either unavailable or do not agree on the potential impact of this missense change (SIFT: "Tolerated"; PolyPhen-2: "Benign"; Align-GVGD: "Class C0"). This variant has not been reported in the literature in individuals with GABRD-related conditions. This variant is not present in population databases (ExAC no frequency). This sequence change replaces glycine with arginine at codon 46 of the GABRD protein (p.Gly46Arg). The glycine residue is moderately conserved and there is a moderate physicochemical difference between glycine and arginine.